The following is an entry in ClinVar:

ClinVar aggregate classification (germline): Likely pathogenic (1 of 4 stars; one submission).

Conditions:
Kabuki syndrome 1 (KABUK1). Also called: KMT2D-Related Kabuki Syndrome. Identifiers: Orphanet 2322, MedGen CN030661, MONDO:0007843, OMIM 147920.

Submission:

MVZ Medizinische Genetik Mainz
Classification: Likely pathogenic for Kabuki syndrome 1. Last evaluated: 2022-09-16. Review status: criteria provided, single submitter. Criteria: UK Practice Guidelines For Variant Classification V4 01 2020. Collection method: clinical testing. Allele origin: germline. Inheritance: Autosomal dominant inheritance. Affected: yes. Observed: 1 variant allele.
Comment: ACMG Criteria: PVS1, PM2_SUP

NM_003482.4(KMT2D):c.1077_1108dup (p.Ser370fs)

Gene: KMT2D (lysine methyltransferase 2D; minus strand). Cytogenetic location: 12q13.12.
Variant type: Duplication.
Coding change: c.1077_1108dup on transcript NM_003482.4 (MANE Select); coding-DNA positions 1077 to 1108, 32 bases duplicated.
Protein change: p.Ser370fs; shifts the reading frame from serine 370.
Molecular consequence: frameshift variant.
Genome position (GRCh38, 1-based): chr12:49,052,919-49,052,950, 32 bases duplicated. GRCh37 (hg19): chr12:49,446,702-49,446,733.
Other names: short protein forms S370fs.
Identifiers: ClinVar variation 3234047 (VCV003234047.1), dbSNP rs2498462643, ClinGen allele CA2825002085.